The following is an entry in ClinVar:

ClinVar aggregate classification (germline): Pathogenic (1 of 4 stars; one submission).

Conditions:
Marfan syndrome (MFS). Also called: MARFAN SYNDROME, TYPE I; Marfan syndrome type 1; Marfan's syndrome; Marfan syndrome, classic; FBN1-Related Marfan Syndrome. Identifiers: Orphanet 284963, Orphanet 558, MedGen C0024796, MONDO:0007947, OMIM 154700.
Familial thoracic aortic aneurysm and aortic dissection (TAAD). Also called: Thoracic aortic aneurysms and dissections. Identifiers: Orphanet 91387, MedGen C4707243, MONDO:0019625.

Submission:

Labcorp Genetics (formerly Invitae), Labcorp
Classification: Pathogenic for Marfan syndrome; Familial thoracic aortic aneurysm and aortic dissection. Last evaluated: 2021-06-16. Review status: criteria provided, single submitter. Criteria: Invitae Variant Classification Sherloc (09022015). Collection method: clinical testing. Allele origin: germline.
Comment: For these reasons, this variant has been classified as Pathogenic. This variant has not been reported in the literature in individuals with FBN1-related conditions. This variant is not present in population databases (ExAC no frequency). This sequence change creates a premature translational stop signal (p.Asp1606Ilefs*34) in the FBN1 gene. It is expected to result in an absent or disrupted protein product. Loss-of-function variants in FBN1 are known to be pathogenic (PMID: 17657824, 19293843).

Literature cited by the submitters: PubMed 17657824; PubMed 19293843.

NM_000138.5(FBN1):c.4815del (p.Asp1606fs)

Gene: FBN1 (fibrillin 1; minus strand). Cytogenetic location: 15q21.1.
Variant type: Deletion.
Coding change: c.4815del on transcript NM_000138.5 (MANE Select); coding-DNA position 4815, one base deleted (A; older notation c.4815delA).
Protein change: p.Asp1606fs; shifts the reading frame from aspartic acid 1606.
Molecular consequence: frameshift variant.
Genome position (GRCh38, 1-based): chr15:48,465,791, T deleted on the plus strand (A on the coding strand, the reverse complement: FBN1 is on the minus strand); the first of 2 consecutive T bases (chr15:48,465,791-48,465,792); deleting either gives the same sequence. VCF-style (leftmost placement, unchanged base first): chr15-48465790-CT-C. GRCh37 (hg19) VCF-style: chr15-48757987-CT-C.
Other names: short protein forms D1606fs.
Identifiers: ClinVar variation 1456549 (VCV001456549.6), dbSNP rs2141269914, ClinGen allele CA2573150787.
Genomic context (GRCh38, chr15:48,465,790, plus strand): 5'-GTAAATAAACCCAAGGAAATTCAAGTTGTGTGTGCTTTAAGACAAAGGAAACACAATTAC[CT>C]TCCAATATAACGGTGATAGGATTTGGTCGGAAACCTTCCCCTCCAGGACAAAGAATTTTG-3'